The following is an entry in ClinVar:

NM_053025.4(MYLK):c.3245C>T (p.Ala1082Val)

Gene: MYLK (myosin light chain kinase; minus strand). Cytogenetic location: 3q21.1.
Variant type: single nucleotide variant.
Coding change: c.3245C>T on transcript NM_053025.4 (MANE Select); coding-DNA position 3245, C replaced by T.
Protein change: p.Ala1082Val; replaces alanine 1082 with valine.
Molecular consequence: missense variant.
Genome position (GRCh38, 1-based): chr3:123,700,223, G>A on the plus strand (C>T on the coding strand, the complement: MYLK is on the minus strand). VCF-style: chr3-123700223-G-A. GRCh37 (hg19) VCF-style: chr3-123419070-G-A.
Other names: c.2717C>T, p.Ala906Val (NM_001321309.2); c.3038C>T, p.Ala1013Val (NM_053026.4, NM_053028.4); c.3245C>T, p.Ala1082Val (NM_053027.4); short protein forms A1013V, A1082V, A906V.
Identifiers: ClinVar variation 4801757 (VCV004801757.1).

ClinVar aggregate classification (germline): Uncertain significance (1 of 4 stars; one submission).

Conditions:
Aortic aneurysm, familial thoracic 7 (AAT7). Also called: AORTIC DISSECTION, FAMILIAL, WITH OR WITHOUT AORTIC ANEURYSM. Identifiers: MedGen C3151077, MONDO:0013418, OMIM 613780.

Submission:

Labcorp Genetics (formerly Invitae), Labcorp
Classification: Uncertain significance for Aortic aneurysm, familial thoracic 7. Last evaluated: 2025-07-08. Review status: criteria provided, single submitter. Criteria: Invitae Variant Classification Sherloc (09022015). Collection method: clinical testing. Allele origin: germline.
Comment: This sequence change replaces alanine, which is neutral and non-polar, with valine, which is neutral and non-polar, at codon 1082 of the MYLK protein (p.Ala1082Val). This variant is not present in population databases (gnomAD no frequency). This variant has not been reported in the literature in individuals affected with MYLK-related conditions. Invitae Evidence Modeling of protein sequence and biophysical properties (such as structural, functional, and spatial information, amino acid conservation, physicochemical variation, residue mobility, and thermodynamic stability) indicates that this missense variant is not expected to disrupt MYLK protein function with a negative predictive value of 95%. In summary, the available evidence is currently insufficient to determine the role of this variant in disease. Therefore, it has been classified as a Variant of Uncertain Significance.